The following is an entry in ClinVar:

ClinVar aggregate classification (germline): Pathogenic (1 of 4 stars; one submission).

gnomAD v4.1: 1 of 1,613,586 alleles (0.000062%); highest among the groups gnomAD compares: Admixed American, 0.0017%; no homozygotes.

Submission:

Labcorp Genetics (formerly Invitae), Labcorp
Classification: Pathogenic. Last evaluated: 2023-06-16. Review status: criteria provided, single submitter. Criteria: Invitae Variant Classification Sherloc (09022015). Collection method: clinical testing. Allele origin: germline.
Comment: For these reasons, this variant has been classified as Pathogenic. ClinVar contains an entry for this variant (Variation ID: 1076047). This variant has not been reported in the literature in individuals affected with TTC37-related conditions. The frequency data for this variant in the population databases is considered unreliable, as metrics indicate poor data quality at this position in the gnomAD database. This sequence change creates a premature translational stop signal (p.Ser603*) in the TTC37 gene. It is expected to result in an absent or disrupted protein product. Loss-of-function variants in TTC37 are known to be pathogenic (PMID: 20176027, 21120949).

Literature cited by the submitters: PubMed 20176027; PubMed 21120949.

NM_014639.4(SKIC3):c.1808C>A (p.Ser603Ter)

Gene: SKIC3 (SKI3 subunit of superkiller complex; minus strand). Cytogenetic location: 5q15.
Variant type: single nucleotide variant.
Coding change: c.1808C>A on transcript NM_014639.4 (MANE Select); coding-DNA position 1808, C replaced by A.
Protein change: p.Ser603Ter; replaces serine 603 with a stop codon.
Molecular consequence: nonsense.
Genome position (GRCh38, 1-based): chr5:95,522,257, G>T on the plus strand (C>A on the coding strand, the complement: SKIC3 is on the minus strand). VCF-style: chr5-95522257-G-T. GRCh37 (hg19) VCF-style: chr5-94857961-G-T.
Other names: short protein forms S603*.
Identifiers: ClinVar variation 1076047 (VCV001076047.6), dbSNP rs141273322, ClinGen allele CA360463433.